The following is an entry in ClinVar:

ClinVar aggregate classification (germline): Uncertain significance (1 of 4 stars; one submission).

Conditions:
Polycystic kidney disease 4 (PKD4). Also called: POLYCYSTIC KIDNEY DISEASE 4 WITH OR WITHOUT POLYCYSTIC LIVER DISEASE; POLYCYSTIC KIDNEY AND HEPATIC DISEASE 1; POLYCYSTIC KIDNEY DISEASE, INFANTILE, TYPE I; PKD3; Autosomal Recessive Polycystic Kidney Disease – PKHD1. Identifiers: MedGen C4540575, MONDO:0033004, OMIM 263200.

Submission:

Laboratory of Medical Genetics, National & Kapodistrian University of Athens
Classification: Uncertain significance for Polycystic kidney disease 4. Last evaluated: 2021-10-12. Review status: criteria provided, single submitter. Criteria: ACMG Guidelines, 2015. Collection method: clinical testing. Allele origin: germline. Affected: yes.
Comment: PM2, PP2, PM3, BP4

NM_138694.4(PKHD1):c.5480C>T (p.Thr1827Ile)

Gene: PKHD1 (PKHD1 ciliary IPT domain containing fibrocystin/polyductin; minus strand). Cytogenetic location: 6p12.2.
Variant type: single nucleotide variant.
Coding change: c.5480C>T on transcript NM_138694.4 (MANE Select); coding-DNA position 5480, C replaced by T.
Protein change: p.Thr1827Ile; replaces threonine 1827 with isoleucine.
Molecular consequence: missense variant.
Genome position (GRCh38, 1-based): chr6:52,017,530, G>A on the plus strand (C>T on the coding strand, the complement: PKHD1 is on the minus strand). VCF-style: chr6-52017530-G-A. GRCh37 (hg19) VCF-style: chr6-51882328-G-A.
Other names: c.5480C>T, p.Thr1827Ile (NM_170724.3); short protein forms T1827I.
Identifiers: ClinVar variation 1708154 (VCV001708154.1), dbSNP rs2538215608, ClinGen allele CA364425861.